The following is an entry in ClinVar:

NM_000215.4(JAK3):c.482A>C (p.Glu161Ala)

Gene: JAK3 (Janus kinase 3; minus strand). Cytogenetic location: 19p13.11.
Variant type: single nucleotide variant.
Coding change: c.482A>C on transcript NM_000215.4 (MANE Select); coding-DNA position 482, A replaced by C.
Protein change: p.Glu161Ala; replaces glutamic acid 161 with alanine.
Molecular consequence: missense variant.
Genome position (GRCh38, 1-based): chr19:17,843,111, T>G on the plus strand (A>C on the coding strand, the complement: JAK3 is on the minus strand). VCF-style: chr19-17843111-T-G. GRCh37 (hg19) VCF-style: chr19-17953920-T-G.
Other names: short protein forms E161A.
Identifiers: ClinVar variation 1395751 (VCV001395751.3), dbSNP rs756695301, ClinGen allele CA9302155.
Genomic context (GRCh38, chr19:17,843,111, plus strand): 5'-GGCCGCTGGGCCTGCTCTCGCGCCATCCGGGCCAGGTCCAACACGGCCAGGCTGAGACAC[T>G]CACCCTGCTCCTTGAGACTGAGGCCCACGGGGAGGCGCCCACTCACCAGGTCACTGCGGT-3'
Protein context (NP_000206.2, residues 151-171): PVGLSLKEQG[Glu161Ala]CLSLAVLDLA

ClinVar aggregate classification (germline): Uncertain significance (1 of 4 stars; one submission).

Conditions:
T-B+ severe combined immunodeficiency due to JAK3 deficiency. Also called: SCID, T CELL-NEGATIVE, B CELL-POSITIVE, NK CELL-NEGATIVE; SCID, autosomal recessive, T-negative/B-positive type. Identifiers: Orphanet 35078, MedGen C1833275, MONDO:0010938, OMIM 600802.

Allele frequency attached by ClinVar (database versions not stated): gnomAD exomes below 0.00001 and 0.00001; TOPMed below 0.00001; ExAC 0.00001; gnomAD 0.00001.

Submission:

Labcorp Genetics (formerly Invitae), Labcorp
Classification: Uncertain significance for T-B+ severe combined immunodeficiency due to JAK3 deficiency. Last evaluated: 2021-09-01. Review status: criteria provided, single submitter. Criteria: Invitae Variant Classification Sherloc (09022015). Collection method: clinical testing. Allele origin: germline.
Comment: This sequence change replaces glutamic acid with alanine at codon 161 of the JAK3 protein (p.Glu161Ala). The glutamic acid residue is moderately conserved and there is a moderate physicochemical difference between glutamic acid and alanine. The frequency data for this variant in the population databases is considered unreliable, as metrics indicate poor data quality at this position in the ExAC database. This variant has not been reported in the literature in individuals affected with JAK3-related conditions. Algorithms developed to predict the effect of missense changes on protein structure and function are either unavailable or do not agree on the potential impact of this missense change (SIFT: "Deleterious"; PolyPhen-2: "Probably Damaging"; Align-GVGD: "Class C0"). In summary, the available evidence is currently insufficient to determine the role of this variant in disease. Therefore, it has been classified as a Variant of Uncertain Significance.